The following is an entry in ClinVar:

ClinVar aggregate classification (germline): Likely benign (1 of 4 stars; one submission).

Allele frequency attached by ClinVar (database versions not stated): gnomAD 0.00001; TOPMed below 0.00001.
gnomAD v4.1: 2 of 152,536 alleles (0.0013%); highest among the groups gnomAD compares: Non-Finnish European, 0.0029%; no homozygotes.

Submission:

CeGaT Center for Human Genetics Tuebingen
Classification: Likely benign. Last evaluated: 2022-07-01. Review status: criteria provided, single submitter. Criteria: CeGaT Center For Human Genetics Tuebingen Variant Classification Criteria Version 2. Collection method: clinical testing. Allele origin: germline. Affected: yes. Observed: 1 variant allele.
Comment: GABRA1: BP4

NM_001127644.2(GABRA1):c.-113C>T

Gene: GABRA1 (gamma-aminobutyric acid type A receptor subunit alpha1; plus strand). Cytogenetic location: 5q34.
Variant type: single nucleotide variant.
Coding change: c.-113C>T on transcript NM_001127644.2 (MANE Select); 113 bases upstream of the start codon, C replaced by T.
Molecular consequence: 5 prime UTR variant.
Genome position (GRCh38, 1-based): chr5:161,848,325, C>T. VCF-style: chr5-161848325-C-T. GRCh37 (hg19) VCF-style: chr5-161275331-C-T.
Other names: c.-113C>T (NM_000806.5, NM_001127643.2).
Identifiers: ClinVar variation 1701491 (VCV001701491.31), dbSNP rs1267898463, ClinGen allele CA564165313.